The following is an entry in ClinVar:

NM_032043.3(BRIP1):c.308del (p.Gly103fs)

Gene: BRIP1 (BRCA1 interacting DNA helicase 1; minus strand). Cytogenetic location: 17q23.2.
Variant type: Deletion.
Coding change: c.308del on transcript NM_032043.3 (MANE Select); coding-DNA position 308, one base deleted (G; older notation c.308delG).
Protein change: p.Gly103fs; shifts the reading frame from glycine 103.
Molecular consequence: frameshift variant.
Genome position (GRCh38, 1-based): chr17:61,857,129, C deleted on the plus strand (G on the coding strand, the reverse complement: BRIP1 is on the minus strand); the first of 2 consecutive C bases (chr17:61,857,129-61,857,130); deleting either gives the same sequence. VCF-style (leftmost placement, unchanged base first): chr17-61857128-TC-T. GRCh37 (hg19) VCF-style: chr17-59934489-TC-T.
Other names: c.308delG (NM_032043.2); short protein forms G103fs.
Identifiers: ClinVar variation 479468 (VCV000479468.12), dbSNP rs1555617834, ClinGen allele CA658658689.
Genomic context (GRCh38, chr17:61,857,128, plus strand): 5'-TGATGAAGTGCCATTTCTTTCAGAAGGTGGTGTGCTTGGATAGTTGAAATGACGTGAAGT[TC>T]CTTGGTTCATGTCATTGTTTGTAAAATCCTTTGAATGGCATGCACAACAACATGACAATT-3'

ClinVar aggregate classification (germline): Pathogenic. Review status: criteria provided, multiple submitters, no conflicts (2 of 4 stars). 2 submissions from 2 submitters: Pathogenic (2). Last evaluated 2022-02-19.

Conditions:
Hereditary cancer-predisposing syndrome. Also called: Tumor predisposition; Neoplastic Syndromes, Hereditary; Hereditary Cancer Syndrome; Hereditary neoplastic syndrome. Identifiers: Orphanet 140162, MedGen C0027672, MeSH D009386, MONDO:0015356.
Fanconi anemia complementation group J. Also called: BRIP1-Related Fanconi Anemia. Identifiers: Orphanet 84, MedGen C1836860, MONDO:0012187, OMIM 609054.
Familial cancer of breast. Also called: BREAST CANCER, FAMILIAL; Hereditary breast cancer; hereditary breast carcinoma. Identifiers: Orphanet 227535, MedGen C0346153, MONDO:0016419, OMIM 114480. Disease mechanism: loss of function.

Submissions (2):

Labcorp Genetics (formerly Invitae), Labcorp
Classification: Pathogenic for Familial cancer of breast; Fanconi anemia complementation group J. Last evaluated: 2022-02-19. Review status: criteria provided, single submitter. Criteria: Invitae Variant Classification Sherloc (09022015). Collection method: clinical testing. Allele origin: germline.
Comment: This sequence change creates a premature translational stop signal (p.Gly103Glufs*54) in the BRIP1 gene. It is expected to result in an absent or disrupted protein product. Loss-of-function variants in BRIP1 are known to be pathogenic (PMID: 16116423, 17033622, 21964575). This variant is not present in population databases (gnomAD no frequency). This variant has not been reported in the literature in individuals affected with BRIP1-related conditions. ClinVar contains an entry for this variant (Variation ID: 479468). For these reasons, this variant has been classified as Pathogenic.

Ambry Genetics
Classification: Pathogenic for Hereditary cancer-predisposing syndrome. Last evaluated: 2017-03-20. Review status: criteria provided, single submitter. Criteria: Ambry Variant Classification Scheme 2023. Collection method: clinical testing. Allele origin: germline.
Comment: The c.308delG pathogenic mutation, located in coding exon 3 of the BRIP1 gene, results from a deletion of one nucleotide at nucleotide position 308, causing a translational frameshift with a predicted alternate stop codon (p.G103Efs*54). This alteration is expected to result in loss of function by premature protein truncation or nonsense-mediated mRNA decay. As such, this alteration is interpreted as a disease-causing mutation.

Literature cited by the submitters: PubMed 16116423 (cited by Labcorp Genetics (formerly Invitae), Labcorp); PubMed 17033622 (cited by Labcorp Genetics (formerly Invitae), Labcorp); PubMed 21964575 (cited by Labcorp Genetics (formerly Invitae), Labcorp).